The following is an entry in ClinVar:

ClinVar aggregate classification (germline): Pathogenic (1 of 4 stars; one submission).

Conditions:
Ehlers-Danlos syndrome, type 4 (EDSVASC). Also called: Ehlers-Danlos syndrome vascular type; Ehlers Danlos syndrome, ecchymotic type; Ehlers Danlos syndrome, arterial type; Ehlers Danlos syndrome, Sack-Barabas type; Ehlers-Danlos Syndrome Type IV. Identifiers: Orphanet 286, MedGen C0268338, MONDO:0017314, OMIM 130050.

Submission:

Labcorp Genetics (formerly Invitae), Labcorp
Classification: Pathogenic for Ehlers-Danlos syndrome, type 4. Last evaluated: 2020-05-18. Review status: criteria provided, single submitter. Criteria: Invitae Variant Classification Sherloc (09022015). Collection method: clinical testing. Allele origin: germline.
Comment: Glycine residues within the Gly-Xaa-Yaa repeats of the triple helix domain are required for the structure and stability of fibrillar collagens (PMID: 7695699, 8218237, 19344236). In COL3A1, variants that affect these glycine residues are significantly enriched in individuals with disease (PMID: 24922459, 25758994) compared to the general population (ExAC). For these reasons, this variant has been classified as Pathogenic. This variant has not been reported in the literature in individuals with COL3A1-related conditions. This variant is an in-frame deletion of the genomic region encompassing exons 13-14 of the COL3A1 gene. It preserves the integrity of the reading frame.

Literature cited by the submitters: PubMed 7695699; PubMed 8218237; PubMed 19344236; PubMed 24922459; PubMed 25758994.

NC_000002.11:g.(?_189856193)_(189856974_?)del

Gene: COL3A1 (collagen type III alpha 1 chain; plus strand). Cytogenetic location: 2q32.2.
Variant type: Deletion.
Identifiers: ClinVar variation 1074656 (VCV001074656.3).